The following is an entry in ClinVar:

NM_001270.4(CHD1):c.4706G>A (p.Ser1569Asn)

Gene: CHD1 (chromodomain helicase DNA binding protein 1; minus strand). Cytogenetic location: 5q15.
Variant type: single nucleotide variant.
Coding change: c.4706G>A on transcript NM_001270.4 (MANE Select); coding-DNA position 4706, G replaced by A.
Protein change: p.Ser1569Asn; replaces serine 1569 with asparagine.
Molecular consequence: missense variant. On other transcripts: non-coding transcript variant (2).
Genome position (GRCh38, 1-based): chr5:98,858,261, C>T on the plus strand (G>A on the coding strand, the complement: CHD1 is on the minus strand). VCF-style: chr5-98858261-C-T. GRCh37 (hg19) VCF-style: chr5-98193965-C-T.
Other names: c.4970G>A, p.Ser1657Asn (NM_001364113.3); c.4706G>A, p.Ser1569Asn (NM_001376194.2); short protein forms S1569N, S1657N.
Identifiers: ClinVar variation 2429719 (VCV002429719.1), dbSNP rs1748190722, ClinGen allele CA360516216.

ClinVar aggregate classification (germline): Uncertain significance (1 of 4 stars; one submission).

Allele frequency attached by ClinVar (database versions not stated): TOPMed below 0.00001.

Submission:

GeneDx
Classification: Uncertain significance. Last evaluated: 2022-08-08. Review status: criteria provided, single submitter. Criteria: GeneDx Variant Classification Process June 2021. Collection method: clinical testing. Allele origin: germline. Affected: yes.
Comment: Not observed at significant frequency in large population cohorts (gnomAD); In silico analysis supports that this missense variant does not alter protein structure/function; Has not been previously published as pathogenic or benign to our knowledge